The following is an entry in ClinVar:

ClinVar aggregate classification (germline): Uncertain significance (1 of 4 stars; one submission).

Conditions:
Early-infantile DEE. Also called: Ohtahara syndrome; Early infantile epileptic encephalopathy with suppression bursts; Early infantile epileptic encephalopathy. Identifiers: Orphanet 1934, MedGen C0393706, MONDO:0800491.

Submission:

Labcorp Genetics (formerly Invitae), Labcorp
Classification: Uncertain significance for Early-infantile DEE. Last evaluated: 2023-04-28. Review status: criteria provided, single submitter. Criteria: Invitae Variant Classification Sherloc (09022015). Collection method: clinical testing. Allele origin: germline.
Comment: This sequence change replaces leucine, which is neutral and non-polar, with valine, which is neutral and non-polar, at codon 682 of the SCN8A protein (p.Leu682Val). In summary, the available evidence is currently insufficient to determine the role of this variant in disease. Therefore, it has been classified as a Variant of Uncertain Significance. Advanced modeling of protein sequence and biophysical properties (such as structural, functional, and spatial information, amino acid conservation, physicochemical variation, residue mobility, and thermodynamic stability) performed at Invitae indicates that this missense variant is not expected to disrupt SCN8A protein function. This variant has not been reported in the literature in individuals affected with SCN8A-related conditions. This variant is not present in population databases (gnomAD no frequency).

NM_001330260.2(SCN8A):c.2044T>G (p.Leu682Val)

Gene: SCN8A (sodium voltage-gated channel alpha subunit 8; plus strand). Cytogenetic location: 12q13.13.
Variant type: single nucleotide variant.
Coding change: c.2044T>G on transcript NM_001330260.2 (MANE Select); coding-DNA position 2044, T replaced by G.
Protein change: p.Leu682Val; replaces leucine 682 with valine.
Molecular consequence: missense variant.
Genome position (GRCh38, 1-based): chr12:51,745,948, T>G. VCF-style: chr12-51745948-T-G. GRCh37 (hg19) VCF-style: chr12-52139732-T-G.
Other names: c.2044T>G, p.Leu682Val (NM_001177984.3, NM_001369788.1, NM_014191.4); short protein forms L682V.
Identifiers: ClinVar variation 2859969 (VCV002859969.3), dbSNP rs2540232061, ClinGen allele CA384878504.